The following is an entry in ClinVar:

ClinVar aggregate classification (germline): Uncertain significance. Review status: criteria provided, multiple submitters, no conflicts (2 of 4 stars). 3 submissions from 3 submitters: Uncertain significance (3). Last evaluated 2026-01-07.

Conditions:
LRP5-related disorder. Also called: LRP5-related condition.
Autosomal dominant osteopetrosis 1 (OPTA1). Also called: OSTEOPETROSIS, AUTOSOMAL DOMINANT, TYPE I. Identifiers: Orphanet 2783, MedGen C1843330, MONDO:0011877, OMIM 607634.
Worth disease. Also called: ENDOSTEAL HYPEROSTOSIS, AUTOSOMAL DOMINANT; OSTEOSCLEROSIS, AUTOSOMAL DOMINANT; Autosomal dominant osteosclerosis, Worth type. Identifiers: Orphanet 2790, MedGen C0432273, MONDO:0007764, OMIM 144750.
Polycystic liver disease 4 with or without kidney cysts. Identifiers: MedGen C4693479, MONDO:0044327, OMIM 617875.
Exudative vitreoretinopathy 4 (EVR4). Identifiers: Orphanet 891, MedGen C1866176, MONDO:0011151, OMIM 601813.
Osteoporosis with pseudoglioma (OPPG). Also called: osteoporosis-pseudoglioma syndrome. Identifiers: Orphanet 2788, MedGen C0432252, MONDO:0009820, OMIM 259770.
Bone mineral density quantitative trait locus 1 (BMND1). Identifiers: MedGen C1866079, OMIM 601884.

Allele frequency attached by ClinVar (database versions not stated): gnomAD exomes 0.00001 and 0.00002; gnomAD 0.00002; TOPMed 0.00003.
gnomAD v4.1: 26 of 1,610,852 alleles (0.0016%); highest among the groups gnomAD compares: Middle Eastern, 0.017%; no homozygotes.

Submissions (3):

PreventionGenetics, part of Exact Sciences
Classification: Uncertain significance for LRP5-related condition. Last evaluated: 2026-01-07. Review status: criteria provided, single submitter. Criteria: ACMG Guidelines, 2015. Collection method: clinical testing. Allele origin: germline.
Comment: The LRP5 c.3226G>A variant is predicted to result in the amino acid substitution p.Ala1076Thr. To our knowledge, this variant has not been reported in the literature. This variant is reported in 0.0055% of alleles in individuals of East Asian descent in gnomAD. At this time, the clinical significance of this variant is uncertain due to the absence of conclusive functional and genetic evidence.

Labcorp Genetics (formerly Invitae), Labcorp
Classification: Uncertain significance. Last evaluated: 2025-06-12. Review status: criteria provided, single submitter. Criteria: Invitae Variant Classification Sherloc (09022015). Collection method: clinical testing. Allele origin: germline.
Comment: This sequence change replaces alanine, which is neutral and non-polar, with threonine, which is neutral and polar, at codon 1076 of the LRP5 protein (p.Ala1076Thr). This variant is present in population databases (rs368217689, gnomAD 0.006%). This variant has not been reported in the literature in individuals affected with LRP5-related conditions. ClinVar contains an entry for this variant (Variation ID: 955360). Invitae Evidence Modeling of protein sequence and biophysical properties (such as structural, functional, and spatial information, amino acid conservation, physicochemical variation, residue mobility, and thermodynamic stability) indicates that this missense variant is not expected to disrupt LRP5 protein function with a negative predictive value of 95%. In summary, the available evidence is currently insufficient to determine the role of this variant in disease. Therefore, it has been classified as a Variant of Uncertain Significance.

Fulgent Genetics
Classification: Uncertain significance for Worth disease; Osteoporosis with pseudoglioma; Exudative vitreoretinopathy 4; Bone mineral density quantitative trait locus 1; Autosomal dominant osteopetrosis 1; Polycystic liver disease 4 with or without kidney cysts. Last evaluated: 2024-04-09. Review status: criteria provided, single submitter. Criteria: ACMG Guidelines, 2015. Collection method: clinical testing. Allele origin: germline.

NM_002335.4(LRP5):c.3226G>A (p.Ala1076Thr)

Gene: LRP5 (LDL receptor related protein 5; plus strand). Cytogenetic location: 11q13.2.
Variant type: single nucleotide variant.
Coding change: c.3226G>A on transcript NM_002335.4 (MANE Select); coding-DNA position 3226, G replaced by A.
Protein change: p.Ala1076Thr; replaces alanine 1076 with threonine.
Molecular consequence: missense variant.
Genome position (GRCh38, 1-based): chr11:68,423,687, G>A. VCF-style: chr11-68423687-G-A. GRCh37 (hg19) VCF-style: chr11-68191155-G-A.
Other names: c.1483G>A, p.Ala495Thr (NM_001291902.2); short protein forms A495T, A1076T.
Identifiers: ClinVar variation 955360 (VCV000955360.9), dbSNP rs368217689, ClinGen allele CA224278065.